The following is an entry in ClinVar:

ClinVar aggregate classification (germline): Pathogenic. Review status: criteria provided, multiple submitters, no conflicts (2 of 4 stars). 3 submissions from 3 submitters: Pathogenic (3). Last evaluated 2022-09-30.

Conditions:
Cardiovascular phenotype. Identifiers: MedGen CN230736.
Long QT syndrome (LQTS). Identifiers: MedGen C0023976, MeSH D008133, MONDO:0002442. Disease mechanism: loss of function. Inheritance: Various modes of inheritance.

Submissions (3):

GeneDx
Classification: Pathogenic. Last evaluated: 2022-09-30. Review status: criteria provided, single submitter. Criteria: GeneDx Variant Classification Process June 2021. Collection method: clinical testing. Allele origin: germline. Affected: yes.
Comment: Has not been previously published as pathogenic or benign to our knowledge; Not observed at significant frequency in large population cohorts (gnomAD); Frameshift variant predicted to result in protein truncation or nonsense mediated decay in a gene for which loss of function is a known mechanism of disease; This variant is associated with the following publications: (PMID: 27535533)

Ambry Genetics
Classification: Pathogenic for Cardiovascular phenotype. Last evaluated: 2020-03-06. Review status: criteria provided, single submitter. Criteria: Ambry Variant Classification Scheme 2023. Collection method: clinical testing. Allele origin: germline.
Comment: The c.565_568delGGCG variant, located in coding exon 4 of the KCNH2 gene, results from a deletion of 4 nucleotides at nucleotide positions 565 to 568, causing a translational frameshift with a predicted alternate stop codon (p.G189Pfs*11). This alteration is expected to result in loss of function by premature protein truncation or nonsense-mediated mRNA decay. As such, this alteration is interpreted as a disease-causing mutation.

Labcorp Genetics (formerly Invitae), Labcorp
Classification: Pathogenic for Long QT syndrome. Last evaluated: 2019-06-29. Review status: criteria provided, single submitter. Criteria: Invitae Variant Classification Sherloc (09022015). Collection method: clinical testing. Allele origin: germline.
Comment: Loss-of-function variants in KCNH2 are known to be pathogenic (PMID: 10973849, 19862833). This variant has not been reported in the literature in individuals with KCNH2-related conditions. The frequency data for this variant in the population databases is considered unreliable, as metrics indicate insufficient coverage at this position in the ExAC database. This sequence change creates a premature translational stop signal (p.Gly189Profs*11) in the KCNH2 gene. It is expected to result in an absent or disrupted protein product. For these reasons, this variant has been classified as Pathogenic.

Literature cited by the submitters: PubMed 10973849 (cited by Labcorp Genetics (formerly Invitae), Labcorp); PubMed 19862833 (cited by Labcorp Genetics (formerly Invitae), Labcorp).

NM_000238.4(KCNH2):c.565_568del (p.Gly189fs)

Gene: KCNH2 (potassium voltage-gated channel subfamily H member 2; minus strand). Cytogenetic location: 7q36.1.
Variant type: Deletion.
Coding change: c.565_568del on transcript NM_000238.4 (MANE Select); coding-DNA positions 565 to 568, 4 bases deleted (GGCG; older notation c.565_568delGGCG).
Protein change: p.Gly189fs; shifts the reading frame from glycine 189.
Molecular consequence: frameshift variant.
Genome position (GRCh38, 1-based): chr7:150,958,407-150,958,410, CGCC deleted on the plus strand (GGCG on the coding strand, the reverse complement: KCNH2 is on the minus strand); deleting any 4 consecutive bases within chr7:150,958,407-150,958,413 gives the same sequence; the c. name uses the placement nearest the transcript's 3' end. VCF-style (leftmost placement, unchanged base first): chr7-150958406-GCGCC-G. GRCh37 (hg19) VCF-style: chr7-150655494-GCGCC-G.
Other names: c.565_568delGGCG (NM_000238.3); c.562_565delGCGG, p.Gly189Profs (NM_000238.3, NM_172056.3); c.274_277delGCGG, p.Gly93Profs (NM_001406753.1, NM_001406756.1); c.385_388delGCGG, p.Gly130Profs (NM_001406755.1); c.262_265delGCGG, p.Gly89Profs (NM_001406757.1); c.565_568del (NM_000238.2); short protein forms G189fs.
Identifiers: ClinVar variation 200602 (VCV000200602.16), dbSNP rs794728420, ClinGen allele CA008597.